The following is an entry in ClinVar:

ClinVar aggregate classification (germline): Uncertain significance (1 of 4 stars; one submission).

Conditions:
Cystinuria (CSNU). Also called: CYSTINURIA, TYPE I; CYSTINURIA, TYPE II; CYSTINURIA, TYPE III; Cystinuria, non-type I. Identifiers: Orphanet 214, MedGen C0010691, MONDO:0009067, OMIM 220100, HP:0003131.

Allele frequency attached by ClinVar (database versions not stated): gnomAD exomes below 0.00001 and 0.00001; ExAC 0.00001; TOPMed 0.00001; gnomAD 0.00002.
gnomAD v4.1: 8 of 1,613,986 alleles (0.0005%); highest among the groups gnomAD compares: African/African-American, 0.004%; no homozygotes.

Submission:

Labcorp Genetics (formerly Invitae), Labcorp
Classification: Uncertain significance for Cystinuria. Last evaluated: 2020-07-15. Review status: criteria provided, single submitter. Criteria: Invitae Variant Classification Sherloc (09022015). Collection method: clinical testing. Allele origin: germline.
Comment: This variant is present in population databases (rs764849767, ExAC 0.001%). This sequence change replaces tyrosine with cysteine at codon 386 of the SLC3A1 protein (p.Tyr386Cys). The tyrosine residue is weakly conserved and there is a large physicochemical difference between tyrosine and cysteine. This variant has not been reported in the literature in individuals with SLC3A1-related conditions. In summary, the available evidence is currently insufficient to determine the role of this variant in disease. Therefore, it has been classified as a Variant of Uncertain Significance. Algorithms developed to predict the effect of missense changes on protein structure and function are either unavailable or do not agree on the potential impact of this missense change (SIFT: "Tolerated"; PolyPhen-2: "Possibly Damaging"; Align-GVGD: "Class C0").

NM_000341.4(SLC3A1):c.1157A>G (p.Tyr386Cys)

Gene: SLC3A1 (solute carrier family 3 member 1; plus strand). Cytogenetic location: 2p21.
Variant type: single nucleotide variant.
Coding change: c.1157A>G on transcript NM_000341.4 (MANE Select); coding-DNA position 1157, A replaced by G.
Protein change: p.Tyr386Cys; replaces tyrosine 386 with cysteine.
Molecular consequence: missense variant.
Genome position (GRCh38, 1-based): chr2:44,304,163, A>G. VCF-style: chr2-44304163-A-G. GRCh37 (hg19) VCF-style: chr2-44531302-A-G.
Other names: short protein forms Y386C.
Identifiers: ClinVar variation 1040651 (VCV001040651.8), dbSNP rs764849767, ClinGen allele CA1640469.